The following is an entry in ClinVar:

ClinVar aggregate classification (germline): Likely pathogenic (1 of 4 stars; one submission).

Conditions:
Nemaline myopathy 2 (NEM2). Also called: Nemaline myopathy 2, autosomal recessive. Identifiers: MedGen C1850569, MONDO:0009725, OMIM 256030.

Submission:

Natera, Inc.
Classification: Likely pathogenic for Nemaline myopathy type 2. Last evaluated: 2025-10-30. Review status: criteria provided, single submitter. Criteria: Natera Variant Classification Schema (03/2026). Collection method: clinical testing. Allele origin: germline.
Comment: The c.17013+1G>T variant in NEB is a canonical splice donor site variant predicted to affect pre-mRNA splicing, which may result in an abnormal transcript and altered protein product. This variant may result in a truncated or dysfunctional protein product. This variant is rare in the general population with a frequency below the threshold expected for the associated phenotype(s). This variant has been observed in one or more individuals affected with the associated recessive disease, as either homozygous or compound heterozygous with a second variant (PMID: 23572184). This variant has been identified in one or more affected individuals with a phenotype highly consistent with the associated gene (PMID: 23572184). Given the available evidence, this variant is classified as Likely Pathogenic.

Literature cited by the submitters: PubMed 23572184.

NM_001164508.2(NEB):c.17013+1G>T

Gene: NEB (nebulin; minus strand). Cytogenetic location: 2q23.3.
Variant type: single nucleotide variant.
Coding change: c.17013+1G>T on transcript NM_001164508.2 (MANE Select); the canonical splice donor site of the intron after coding-DNA position 17013, G replaced by T.
Molecular consequence: splice donor variant.
Genome position (GRCh38, 1-based): chr2:151,575,694, C>A on the plus strand (G>T on the coding strand, the complement: NEB is on the minus strand). VCF-style: chr2-151575694-C-A. GRCh37 (hg19) VCF-style: chr2-152432208-C-A.
Other names: c.11910+1G>T (NM_004543.5); c.17013+1G>T (NM_001164507.2, NM_001271208.2).
Identifiers: ClinVar variation 4814732 (VCV004814732.1).